The following is an entry in ClinVar:

ClinVar aggregate classification (germline): Pathogenic (1 of 4 stars; one submission).

Conditions:
Werner syndrome (WRN). Identifiers: Orphanet 902, MedGen C0043119, MONDO:0010196, OMIM 277700.

Submission:

Labcorp Genetics (formerly Invitae), Labcorp
Classification: Pathogenic for Werner syndrome. Last evaluated: 2023-02-14. Review status: criteria provided, single submitter. Criteria: Invitae Variant Classification Sherloc (09022015). Collection method: clinical testing. Allele origin: germline.
Comment: This sequence change creates a premature translational stop signal (p.Glu242*) in the WRN gene. It is expected to result in an absent or disrupted protein product. Loss-of-function variants in WRN are known to be pathogenic (PMID: 16673358). This variant is not present in population databases (gnomAD no frequency). For these reasons, this variant has been classified as Pathogenic. Algorithms developed to predict the effect of sequence changes on RNA splicing suggest that this variant may disrupt the consensus splice site. ClinVar contains an entry for this variant (Variation ID: 1074587). This variant has not been reported in the literature in individuals affected with WRN-related conditions.

Literature cited by the submitters: PubMed 16673358.

NM_000553.6(WRN):c.724G>T (p.Glu242Ter)

Gene: WRN (WRN RecQ like helicase; plus strand). Cytogenetic location: 8p12.
Variant type: single nucleotide variant.
Coding change: c.724G>T on transcript NM_000553.6 (MANE Select); coding-DNA position 724, G replaced by T.
Protein change: p.Glu242Ter; replaces glutamic acid 242 with a stop codon.
Molecular consequence: nonsense.
Genome position (GRCh38, 1-based): chr8:31,068,327, G>T. VCF-style: chr8-31068327-G-T. GRCh37 (hg19) VCF-style: chr8-30925843-G-T.
Other names: short protein forms E242*.
Identifiers: ClinVar variation 1074587 (VCV001074587.5), dbSNP rs769959338, ClinGen allele CA370917214.
Genomic context (GRCh38, chr8:31,068,327, plus strand): 5'-ATTATTTACCGAAATTTAGAGATTTTGGATGATACTGTGCAAAGGTTTGCTATAAATAAA[G>T]GTATGTTAAGATCCATAAATAAAATGTGAATTCACTCTTTTGTGAGGTTTATCTCCAAAA-3'